The following is an entry in ClinVar:

NM_025136.4(OPA3):c.142+2_142+3dup

Genes: OPA3 (outer mitochondrial membrane lipid metabolism regulator OPA3; minus strand), OPA3-RTN2 (OPA3-RTN2 readthrough; minus strand). Cytogenetic location: 19q13.32.
Variant type: Duplication.
Coding change: c.142+2_142+3dup on transcript NM_025136.4 (MANE Select); the canonical splice donor site of the intron after coding-DNA position 142 through 3 bases into the intron after coding-DNA position 142, 2 bases duplicated (TG; older notation c.142+2_142+3dupTG).
Molecular consequence: splice donor variant.
Genome position (GRCh38, 1-based): chr19:45,584,620-45,584,621, CA duplicated on the plus strand (TG on the coding strand, the reverse complement: OPA3 is on the minus strand); duplicating any 2 consecutive bases within chr19:45,584,620-45,584,622 gives the same sequence; the c. name uses the placement nearest the transcript's 3' end. VCF-style (leftmost placement, unchanged base first): chr19-45584619-T-TCA. GRCh37 (hg19) VCF-style: chr19-46087877-T-TCA.
Other names: c.142+2_142+3dup (NM_001017989.3); c.142+2_142+3dupTG (NM_025136.3).
Identifiers: ClinVar variation 531189 (VCV000531189.7), dbSNP rs1555736791, ClinGen allele CA658799256.

ClinVar aggregate classification (germline): Likely pathogenic (1 of 4 stars; one submission).

Conditions:
3-Methylglutaconic aciduria type 3 (MGCA3). Also called: OPA3, AUTOSOMAL RECESSIVE; OPTIC ATROPHY 3, AUTOSOMAL RECESSIVE; Costeff Syndrome; OPA3-Related 3-Methylglutaconic Aciduria. Identifiers: Orphanet 67047, MedGen C0574084, MONDO:0009787, OMIM 258501.
Optic atrophy 3 (OPA3). Also called: OPTIC ATROPHY 3, AUTOSOMAL DOMINANT; Optic atrophy 3 with cataract; Optic atrophy, cataract, and neurologic disorder. Identifiers: Orphanet 67036, MedGen C1833809, MONDO:0008133, OMIM 165300.

Submission:

Labcorp Genetics (formerly Invitae), Labcorp
Classification: Likely pathogenic for 3-Methylglutaconic aciduria type 3; Optic atrophy 3. Last evaluated: 2025-04-21. Review status: criteria provided, single submitter. Criteria: Invitae Variant Classification Sherloc (09022015). Collection method: clinical testing. Allele origin: germline.
Comment: This sequence change falls in intron 1 of the OPA3 gene. It does not directly change the encoded amino acid sequence of the OPA3 protein. It affects a nucleotide within the consensus splice site. This variant is not present in population databases (gnomAD no frequency). This variant has been observed in individual(s) with clinical features of autosomal recessive OPA3-related conditions (internal data). It has also been observed to segregate with disease in related individuals. ClinVar contains an entry for this variant (Variation ID: 531189). Variants that disrupt the consensus splice site are a relatively common cause of aberrant splicing (PMID: 17576681, 9536098). Algorithms developed to predict the effect of sequence changes on RNA splicing suggest that this variant may disrupt the consensus splice site. In summary, the currently available evidence indicates that the variant is pathogenic, but additional data are needed to prove that conclusively. Therefore, this variant has been classified as Likely Pathogenic.

Literature cited by the submitters: PubMed 17576681; PubMed 9536098.